The following is an entry in ClinVar:

ClinVar aggregate classification (germline): Uncertain significance. Review status: criteria provided, multiple submitters, no conflicts (2 of 4 stars). 5 submissions from 5 submitters: Uncertain significance (5). Last evaluated 2025-11-16.

Conditions:
SHOC2-related disorder. Also called: SHOC2-related condition.
Cardiovascular phenotype. Identifiers: MedGen CN230736.
RASopathy. Also called: Noonan spectrum disorder; rasopathies. Identifiers: Orphanet 536391, MedGen C5555857, MONDO:0021060.

Allele frequency attached by ClinVar (database versions not stated): gnomAD exomes below 0.00001 and 0.00002; TOPMed 0.00001.
gnomAD v4.1: 23 of 1,611,582 alleles (0.0014%); highest among the groups gnomAD compares: Non-Finnish European, 0.002%; no homozygotes.

Submissions (5):

Labcorp Genetics (formerly Invitae), Labcorp
Classification: Uncertain significance for RASopathy. Last evaluated: 2025-11-16. Review status: criteria provided, single submitter. Criteria: Invitae Variant Classification Sherloc (09022015). Collection method: clinical testing. Allele origin: germline.
Comment: This sequence change replaces alanine, which is neutral and non-polar, with valine, which is neutral and non-polar, at codon 304 of the SHOC2 protein (p.Ala304Val). This variant is present in population databases (rs759211899, gnomAD 0.0009%). This variant has not been reported in the literature in individuals affected with SHOC2-related conditions. ClinVar contains an entry for this variant (Variation ID: 1308603). Invitae Evidence Modeling of protein sequence and biophysical properties (such as structural, functional, and spatial information, amino acid conservation, physicochemical variation, residue mobility, and thermodynamic stability) indicates that this missense variant is not expected to disrupt SHOC2 protein function with a negative predictive value of 80%. In summary, the available evidence is currently insufficient to determine the role of this variant in disease. Therefore, it has been classified as a Variant of Uncertain Significance.

Ambry Genetics
Classification: Uncertain significance for Cardiovascular phenotype. Last evaluated: 2025-06-22. Review status: criteria provided, single submitter. Criteria: Ambry Variant Classification Scheme 2023. Collection method: clinical testing. Allele origin: germline.
Comment: The p.A304V variant (also known as c.911C>T), located in coding exon 3 of the SHOC2 gene, results from a C to T substitution at nucleotide position 911. The alanine at codon 304 is replaced by valine, an amino acid with similar properties. This amino acid position is conserved. In addition, this alteration is predicted to be tolerated by in silico analysis. Since supporting evidence is limited at this time, the clinical significance of this alteration remains unclear.

GeneDx
Classification: Uncertain significance. Last evaluated: 2024-09-13. Review status: criteria provided, single submitter. Criteria: GeneDx Variant Classification Process June 2021. Collection method: clinical testing. Allele origin: germline. Affected: yes.
Comment: Has not been previously published as pathogenic or benign to our knowledge; In silico analysis indicates that this missense variant does not alter protein structure/function

PreventionGenetics, part of Exact Sciences
Classification: Uncertain significance for SHOC2-related condition. Last evaluated: 2023-06-01. Review status: criteria provided, single submitter. Criteria: ACMG Guidelines, 2015. Collection method: clinical testing. Allele origin: germline.
Comment: The SHOC2 c.911C>T variant is predicted to result in the amino acid substitution p.Ala304Val. To our knowledge, this variant has not been reported in the literature. This variant is reported in 0.00088% of alleles in individuals of European (Non-Finnish) descent in gnomAD. At this time, the clinical significance of this variant is uncertain due to the absence of conclusive functional and genetic evidence.

Women's Health and Genetics/Laboratory Corporation of America, LabCorp
Classification: Uncertain significance. Last evaluated: 2022-12-11. Review status: criteria provided, single submitter. Criteria: LabCorp Variant Classification Summary - May 2015. Collection method: clinical testing. Allele origin: germline.

NM_007373.4(SHOC2):c.911C>T (p.Ala304Val)

Gene: SHOC2 (SHOC2 leucine rich repeat scaffold protein; plus strand). Cytogenetic location: 10q25.2.
Variant type: single nucleotide variant.
Coding change: c.911C>T on transcript NM_007373.4 (MANE Select); coding-DNA position 911, C replaced by T.
Protein change: p.Ala304Val; replaces alanine 304 with valine.
Molecular consequence: missense variant. On other transcripts: non-coding transcript variant (1).
Genome position (GRCh38, 1-based): chr10:111,000,484, C>T. VCF-style: chr10-111000484-C-T. GRCh37 (hg19) VCF-style: chr10-112760242-C-T.
Other names: c.773C>T, p.Ala258Val (NM_001269039.3); c.911C>T, p.Ala304Val (NM_001324336.2, NM_001324337.2); short protein forms A258V, A304V.
Identifiers: ClinVar variation 1308603 (VCV001308603.10), dbSNP rs759211899, ClinGen allele CA213913714.